The following is an entry in ClinVar:

ClinVar aggregate classification (germline): Likely pathogenic (1 of 4 stars; one submission).

Submission:

CeGaT Center for Human Genetics Tuebingen
Classification: Likely pathogenic. Last evaluated: 2023-05-01. Review status: criteria provided, single submitter. Criteria: CeGaT Center For Human Genetics Tuebingen Variant Classification Criteria Version 2. Collection method: clinical testing. Allele origin: germline. Affected: yes. Observed: 2 variant alleles.
Comment: NOTCH1: PM1, PM2, PM4, PP4

NM_017617.5(NOTCH1):c.4552_4560del (p.Gly1518_Asp1520del)

Gene: NOTCH1 (notch receptor 1; minus strand). Cytogenetic location: 9q34.3.
Variant type: Deletion.
Coding change: c.4552_4560del on transcript NM_017617.5 (MANE Select); coding-DNA positions 4552 to 4560, 9 bases deleted (GGCTTTGAC; older notation c.4552_4560delGGCTTTGAC).
Protein change: p.Gly1518_Asp1520del.
Molecular consequence: inframe deletion.
Genome position (GRCh38, 1-based): chr9:136,505,336-136,505,344, GTCAAAGCC deleted on the plus strand (GGCTTTGAC on the coding strand, the reverse complement: NOTCH1 is on the minus strand); deleting any 9 consecutive bases within chr9:136,505,336-136,505,347 gives the same sequence; the c. name uses the placement nearest the transcript's 3' end. VCF-style (leftmost placement, unchanged base first): chr9-136505335-AGTCAAAGCC-A. GRCh37 (hg19) VCF-style: chr9-139399787-AGTCAAAGCC-A.
Identifiers: ClinVar variation 1701587 (VCV001701587.31), dbSNP rs2133338569, ClinGen allele CA2580081259.